The following is an entry in ClinVar:

ClinVar aggregate classification (germline): Uncertain significance (1 of 4 stars; one submission).

Conditions:
Arrhythmogenic right ventricular dysplasia 5. Also called: Arrhythmogenic Right Ventricular Dysplasia/Cardiomyopathy 5; ARRHYTHMOGENIC RIGHT VENTRICULAR DYSPLASIA, FAMILIAL, 5. Identifiers: MedGen C1858379, MONDO:0011459, OMIM 604400.

Submission:

Labcorp Genetics (formerly Invitae), Labcorp
Classification: Uncertain significance for Arrhythmogenic right ventricular dysplasia 5. Last evaluated: 2025-02-07. Review status: criteria provided, single submitter. Criteria: Invitae Variant Classification Sherloc (09022015). Collection method: clinical testing. Allele origin: germline.
Comment: This sequence change replaces valine, which is neutral and non-polar, with methionine, which is neutral and non-polar, at codon 175 of the TMEM43 protein (p.Val175Met). This variant is not present in population databases (gnomAD no frequency). This variant has not been reported in the literature in individuals affected with TMEM43-related conditions. Invitae Evidence Modeling of protein sequence and biophysical properties (such as structural, functional, and spatial information, amino acid conservation, physicochemical variation, residue mobility, and thermodynamic stability) has been performed for this missense variant. However, the output from this modeling did not meet the statistical confidence thresholds required to predict the impact of this variant on TMEM43 protein function. In summary, the available evidence is currently insufficient to determine the role of this variant in disease. Therefore, it has been classified as a Variant of Uncertain Significance.

NM_024334.3(TMEM43):c.523G>A (p.Val175Met)

Gene: TMEM43 (transmembrane protein 43; plus strand). Cytogenetic location: 3p25.1.
Variant type: single nucleotide variant.
Coding change: c.523G>A on transcript NM_024334.3 (MANE Select); coding-DNA position 523, G replaced by A.
Protein change: p.Val175Met; replaces valine 175 with methionine.
Molecular consequence: missense variant.
Genome position (GRCh38, 1-based): chr3:14,133,749, G>A. VCF-style: chr3-14133749-G-A. GRCh37 (hg19) VCF-style: chr3-14175249-G-A.
Other names: c.526G>A, p.Val176Met (NM_001407274.1); c.523G>A, p.Val175Met (NM_001407275.1, NM_001407276.1, NM_001407277.1 and 1 more transcripts); c.508G>A, p.Val170Met (NM_001407278.1); c.373G>A, p.Val125Met (NM_001407280.1); short protein forms V176M, V175M, V125M, V170M.
Identifiers: ClinVar variation 3708147 (VCV003708147.2).